The following is an entry in ClinVar:

ClinVar aggregate classification (germline): Pathogenic (1 of 4 stars; one submission).

Conditions:
Developmental and epileptic encephalopathy, 54. Also called: HNRNPU-Related Neurodevelopmental Disorder; Epileptic encephalopathy, early infantile, 54. Identifiers: MedGen C4479319, MONDO:0033363, OMIM 617391.

Submission:

Labcorp Genetics (formerly Invitae), Labcorp
Classification: Pathogenic for Developmental and epileptic encephalopathy, 54. Last evaluated: 2022-09-30. Review status: criteria provided, single submitter. Criteria: Invitae Variant Classification Sherloc (09022015). Collection method: clinical testing. Allele origin: germline.
Comment: For these reasons, this variant has been classified as Pathogenic. This sequence change creates a premature translational stop signal (p.Lys333Serfs*4) in the HNRNPU gene. It is expected to result in an absent or disrupted protein product. Loss-of-function variants in HNRNPU are known to be pathogenic (PMID: 22678713, 28283832). This variant is not present in population databases (gnomAD no frequency). This variant has not been reported in the literature in individuals affected with HNRNPU-related conditions.

Literature cited by the submitters: PubMed 22678713; PubMed 28283832.

NM_031844.3(HNRNPU):c.998_999del (p.Lys333fs)

Gene: HNRNPU (heterogeneous nuclear ribonucleoprotein U; minus strand). Cytogenetic location: 1q44.
Variant type: Deletion.
Coding change: c.998_999del on transcript NM_031844.3 (MANE Select); coding-DNA positions 998 to 999, 2 bases deleted (AA; older notation c.998_999delAA).
Protein change: p.Lys333fs; shifts the reading frame from lysine 333.
Molecular consequence: frameshift variant.
Genome position (GRCh38, 1-based): chr1:244,860,353-244,860,354, TT deleted on the plus strand (AA on the coding strand, the reverse complement: HNRNPU is on the minus strand); deleting any 2 consecutive bases within chr1:244,860,353-244,860,355 gives the same sequence; the c. name uses the placement nearest the transcript's 3' end. VCF-style (leftmost placement, unchanged base first): chr1-244860352-CTT-C. GRCh37 (hg19) VCF-style: chr1-245023654-CTT-C.
Other names: c.941_942del, p.Lys314fs (NM_004501.3); short protein forms K314fs, K333fs.
Identifiers: ClinVar variation 2033509 (VCV002033509.4), dbSNP rs2527885160, ClinGen allele CA2580063508.